The following is an entry in ClinVar:

ClinVar aggregate classification (germline): Uncertain significance (1 of 4 stars; one submission).

gnomAD v4.1: 3 of 1,567,278 alleles (0.00019%); highest among the groups gnomAD compares: Non-Finnish European, 0.00026%; no homozygotes.

Submission:

GeneDx
Classification: Uncertain significance. Last evaluated: 2023-11-21. Review status: criteria provided, single submitter. Criteria: GeneDx Variant Classification Process June 2021. Collection method: clinical testing. Allele origin: germline. Affected: yes.
Comment: Not observed at significant frequency in large population cohorts (gnomAD); In silico analysis supports a deleterious effect on splicing; Has not been previously published as pathogenic or benign to our knowledge

NM_020944.3(GBA2):c.567+4A>G

Gene: GBA2 (glucosylceramidase beta 2; minus strand). Cytogenetic location: 9p13.3.
Variant type: single nucleotide variant.
Coding change: c.567+4A>G on transcript NM_020944.3 (MANE Select); 4 bases into the intron after coding-DNA position 567, A replaced by G.
Molecular consequence: intron variant.
Genome position (GRCh38, 1-based): chr9:35,744,293, T>C on the plus strand (A>G on the coding strand, the complement: GBA2 is on the minus strand). VCF-style: chr9-35744293-T-C. GRCh37 (hg19) VCF-style: chr9-35744290-T-C.
Other names: c.567+4A>G (NM_001330660.2).
Identifiers: ClinVar variation 3364459 (VCV003364459.1).